The following is an entry in ClinVar:

ClinVar aggregate classification (germline): Uncertain significance. Review status: criteria provided, multiple submitters, no conflicts (2 of 4 stars). 4 submissions from 4 submitters: Uncertain significance (4). Last evaluated 2025-08-05.

Conditions:
Spastic paraplegia. Identifiers: MedGen C0037772, HP:0001258.
Hereditary spastic paraplegia 15 (SPG15). Also called: SPASTIC PARAPLEGIA 15, AUTOSOMAL RECESSIVE; KJELLIN SYNDROME; SPASTIC PARAPLEGIA AND RETINAL DEGENERATION. Identifiers: Orphanet 100996, MedGen C1849128, MONDO:0010044, OMIM 270700.

Allele frequency attached by ClinVar (database versions not stated): ESP Exome Variant Server 0.00008; gnomAD exomes 0.00010; gnomAD 0.00011; TOPMed 0.00014.
gnomAD v4.1: 160 of 1,614,220 alleles (0.0099%); highest among the groups gnomAD compares: Middle Eastern, 0.12%; no homozygotes.

Submissions (4):

GeneDx
Classification: Uncertain significance. Last evaluated: 2025-08-05. Review status: criteria provided, single submitter. Criteria: GeneDx Variant Classification Process June 2021. Collection method: clinical testing. Allele origin: germline. Affected: yes.
Comment: In silico analysis suggests that this missense variant does not alter protein structure/function; Has not been previously published as pathogenic or benign to our knowledge

Labcorp Genetics (formerly Invitae), Labcorp
Classification: Uncertain significance for Spastic paraplegia. Last evaluated: 2021-12-02. Review status: criteria provided, single submitter. Criteria: Invitae Variant Classification Sherloc (09022015). Collection method: clinical testing. Allele origin: germline.
Comment: This sequence change replaces lysine, which is basic and polar, with glutamine, which is neutral and polar, at codon 321 of the ZFYVE26 protein (p.Lys321Gln). This variant is present in population databases (rs375820273, gnomAD 0.02%). This variant has not been reported in the literature in individuals affected with ZFYVE26-related conditions. ClinVar contains an entry for this variant (Variation ID: 884290). Algorithms developed to predict the effect of missense changes on protein structure and function are either unavailable or do not agree on the potential impact of this missense change (SIFT: "Deleterious"; PolyPhen-2: "Probably Damaging"; Align-GVGD: "Class C0"). In summary, the available evidence is currently insufficient to determine the role of this variant in disease. Therefore, it has been classified as a Variant of Uncertain Significance.

Illumina Laboratory Services, Illumina
Classification: Uncertain significance for Hereditary spastic paraplegia 15. Last evaluated: 2018-01-12. Review status: criteria provided, single submitter. Criteria: ICSL Variant Classification Criteria 13 December 2019. Collection method: clinical testing. Allele origin: germline.

Breakthrough Genomics
Classification: Uncertain significance. Review status: criteria provided, single submitter. Criteria: ACMG Guidelines, 2015. Collection method: not provided. Allele origin: germline. Inheritance: Autosomal recessive inheritance. Affected: yes.

NM_015346.4(ZFYVE26):c.961A>C (p.Lys321Gln)

Gene: ZFYVE26 (zinc finger FYVE-type containing 26; minus strand). Cytogenetic location: 14q24.1.
Variant type: single nucleotide variant.
Coding change: c.961A>C on transcript NM_015346.4 (MANE Select); coding-DNA position 961, A replaced by C.
Protein change: p.Lys321Gln; replaces lysine 321 with glutamine.
Molecular consequence: missense variant.
Genome position (GRCh38, 1-based): chr14:67,806,601, T>G on the plus strand (A>C on the coding strand, the complement: ZFYVE26 is on the minus strand). VCF-style: chr14-67806601-T-G. GRCh37 (hg19) VCF-style: chr14-68273318-T-G.
Other names: short protein forms K321Q.
Identifiers: ClinVar variation 884290 (VCV000884290.8), dbSNP rs375820273, ClinGen allele CA7240651.